The following is an entry in ClinVar:

NM_173651.4(FSIP2):c.6226C>A (p.Leu2076Met)

Genes: FSIP2-AS1 (FSIP2 antisense RNA 1; minus strand), FSIP2 (fibrous sheath interacting protein 2; plus strand). Cytogenetic location: 2q32.1.
Variant type: single nucleotide variant.
Coding change: c.6226C>A on transcript NM_173651.4 (MANE Select); coding-DNA position 6226, C replaced by A.
Protein change: p.Leu2076Met; replaces leucine 2076 with methionine.
Molecular consequence: missense variant.
Genome position (GRCh38, 1-based): chr2:185,793,362, C>A. VCF-style: chr2-185793362-C-A. GRCh37 (hg19) VCF-style: chr2-186658089-C-A.
Other names: c.6226C>A (NM_173651.3); short protein forms L2076M.
Identifiers: ClinVar variation 1694999 (VCV001694999.33), dbSNP rs74508015, ClinGen allele CA2016736.

ClinVar aggregate classification (germline): Likely benign. Review status: criteria provided, multiple submitters, no conflicts (2 of 4 stars). 3 submissions from 3 submitters: Likely benign (2). 1 of the submissions does not count toward it. Last evaluated 2025-06-01.

Conditions:
FSIP2-related disorder. Also called: FSIP2-related condition.

Allele frequency attached by ClinVar (database versions not stated): 1000 Genomes Project 0.00200; 1000 Genomes Project 30x 0.00203; gnomAD 0.00236 and 0.00251; ExAC 0.00277; TOPMed 0.00301; gnomAD exomes 0.00316.
gnomAD v4.1: 5,074 of 1,533,892 alleles (0.33%); highest among the groups gnomAD compares: Middle Eastern, 0.72%; 13 homozygotes.

Submissions (3):

CeGaT Center for Human Genetics Tuebingen
Classification: Likely benign. Last evaluated: 2025-06-01. Review status: criteria provided, single submitter. Criteria: CeGaT Center For Human Genetics Tuebingen Variant Classification Criteria Version 2. Collection method: clinical testing. Allele origin: germline. Affected: yes. Observed: 7 variant alleles.
Comment: FSIP2: BP4, BS2

Blueprint Genetics
Classification: Likely benign. Last evaluated: 2024-11-23. Review status: criteria provided, single submitter. Criteria: ACMG Guidelines, 2015. Collection method: clinical testing. Allele origin: germline.

PreventionGenetics, part of Exact Sciences
Classification: Likely benign for FSIP2-related condition. Last evaluated: 2023-03-30. Review status: no assertion criteria provided. Collection method: clinical testing. Allele origin: germline. Not counted in ClinVar's aggregate classification.
Comment: This variant is classified as likely benign based on ACMG/AMP sequence variant interpretation guidelines (Richards et al. 2015 PMID: 25741868, with internal and published modifications).